The following is an entry in ClinVar:

NM_001127222.2(CACNA1A):c.3478G>A (p.Ala1160Thr)

Gene: CACNA1A (calcium voltage-gated channel subunit alpha1 A; minus strand). Cytogenetic location: 19p13.13.
Variant type: single nucleotide variant.
Coding change: c.3478G>A on transcript NM_001127222.2 (MANE Select); coding-DNA position 3478, G replaced by A.
Protein change: p.Ala1160Thr; replaces alanine 1160 with threonine.
Molecular consequence: missense variant.
Genome position (GRCh38, 1-based): chr19:13,286,578, C>T on the plus strand (G>A on the coding strand, the complement: CACNA1A is on the minus strand). VCF-style: chr19-13286578-C-T. GRCh37 (hg19) VCF-style: chr19-13397392-C-T.
Other names: c.3490G>A, p.Ala1164Thr (NM_000068.4, NM_023035.3); c.3481G>A, p.Ala1161Thr (NM_001127221.2, NM_001174080.2); short protein forms A1161T, A1164T, A1160T.
Identifiers: ClinVar variation 1414929 (VCV001414929.31), dbSNP rs1256731049, ClinGen allele CA404341290.

ClinVar aggregate classification (germline): Uncertain significance. Review status: criteria provided, multiple submitters, no conflicts (2 of 4 stars). 2 submissions from 2 submitters: Uncertain significance (2). Last evaluated 2025-01-20.

Conditions:
Developmental and epileptic encephalopathy, 42 (DEE42A). Also called: Epileptic encephalopathy, early infantile, 42; DEVELOPMENTAL AND EPILEPTIC ENCEPHALOPATHY 42A; EPILEPTIC ENCEPHALOPATHY, EARLY INFANTILE, 42A. Identifiers: MedGen C4310716, MONDO:0014917, OMIM 617106.
Episodic ataxia type 2 (EA2). Also called: ACETAZOLAMIDE-RESPONSIVE HEREDITARY PAROXYSMAL CEREBELLAR ATAXIA; ATAXIA, EPISODIC, WITH NYSTAGMUS; ATAXIA, FAMILIAL PAROXYSMAL; CEREBELLAR ATAXIA, PAROXYSMAL, ACETAZOLAMIDE-RESPONSIVE; CEREBELLOPATHY, HEREDITARY PAROXYSMAL; EPISODIC ATAXIA, NYSTAGMUS-ASSOCIATED. Identifiers: Orphanet 97, MedGen C1720416, MONDO:0007163, OMIM 108500.

Submissions (2):

Labcorp Genetics (formerly Invitae), Labcorp
Classification: Uncertain significance for Developmental and epileptic encephalopathy, 42; Episodic ataxia type 2. Last evaluated: 2025-01-20. Review status: criteria provided, single submitter. Criteria: Invitae Variant Classification Sherloc (09022015). Collection method: clinical testing. Allele origin: germline.
Comment: This sequence change replaces alanine, which is neutral and non-polar, with threonine, which is neutral and polar, at codon 1161 of the CACNA1A protein (p.Ala1161Thr). This variant is not present in population databases (gnomAD no frequency). This variant has not been reported in the literature in individuals affected with CACNA1A-related conditions. ClinVar contains an entry for this variant (Variation ID: 1414929). Invitae Evidence Modeling of protein sequence and biophysical properties (such as structural, functional, and spatial information, amino acid conservation, physicochemical variation, residue mobility, and thermodynamic stability) indicates that this missense variant is not expected to disrupt CACNA1A protein function with a negative predictive value of 95%. In summary, the available evidence is currently insufficient to determine the role of this variant in disease. Therefore, it has been classified as a Variant of Uncertain Significance.

CeGaT Center for Human Genetics Tuebingen
Classification: Uncertain significance. Last evaluated: 2022-03-01. Review status: criteria provided, single submitter. Criteria: CeGaT Center For Human Genetics Tuebingen Variant Classification Criteria Version 2. Collection method: clinical testing. Allele origin: germline. Affected: yes. Observed: 1 variant allele.
Comment: CACNA1A: PM2, PP2, BP4